The following is an entry in ClinVar:

ClinVar aggregate classification (germline): Pathogenic (1 of 4 stars; one submission).

Submission:

Labcorp Genetics (formerly Invitae), Labcorp
Classification: Pathogenic. Last evaluated: 2023-11-25. Review status: criteria provided, single submitter. Criteria: Invitae Variant Classification Sherloc (09022015). Collection method: clinical testing. Allele origin: germline.
Comment: This sequence change creates a premature translational stop signal (p.Glu42*) in the OTOA gene. It is expected to result in an absent or disrupted protein product. Loss-of-function variants in OTOA are known to be pathogenic (PMID: 11972037). This variant is not present in population databases (gnomAD no frequency). This variant has not been reported in the literature in individuals affected with OTOA-related conditions. For these reasons, this variant has been classified as Pathogenic.

Literature cited by the submitters: PubMed 11972037.

NM_144672.4(OTOA):c.124G>T (p.Glu42Ter)

Gene: OTOA (otoancorin). Cytogenetic location: 16p12.2.
Variant type: single nucleotide variant.
Coding change: c.124G>T on transcript NM_144672.4 (MANE Select); coding-DNA position 124, G replaced by T.
Protein change: p.Glu42Ter; replaces glutamic acid 42 with a stop codon.
Molecular consequence: nonsense.
Genome position (GRCh38, 1-based): chr16:21,679,039, G>T. VCF-style: chr16-21679039-G-T. GRCh37 (hg19) VCF-style: chr16-21690360-G-T.
Other names: short protein forms E42*.
Identifiers: ClinVar variation 2697333 (VCV002697333.3), dbSNP rs2506957305, ClinGen allele CA395051084.